The following is an entry in ClinVar:

ClinVar aggregate classification (germline): Conflicting classifications of pathogenicity. Review status: criteria provided, conflicting classifications (1 of 4 stars). 3 submissions from 3 submitters: Uncertain significance (1); Likely benign (1). 1 of the submissions does not count toward it. Last evaluated 2023-08-22.

Conditions:
Tuberous sclerosis 2 (TSC2). Identifiers: Orphanet 805, MedGen C1860707, MONDO:0013199, OMIM 613254.
Tuberous sclerosis syndrome (TSC). Also called: Tuberous Sclerosis Complex; Tuberous sclerosis. Identifiers: Orphanet 805, MedGen C0041341, MONDO:0001734.
Hereditary cancer-predisposing syndrome. Also called: Tumor predisposition; Hereditary Cancer Syndrome; Neoplastic Syndromes, Hereditary; Hereditary neoplastic syndrome. Identifiers: Orphanet 140162, MedGen C0027672, MeSH D009386, MONDO:0015356.

Submissions (3):

Ambry Genetics
Classification: Likely benign for Hereditary cancer-predisposing syndrome. Last evaluated: 2023-08-22. Review status: criteria provided, single submitter. Criteria: Ambry Variant Classification Scheme 2023. Collection method: clinical testing. Allele origin: germline.

Labcorp Genetics (formerly Invitae), Labcorp
Classification: Uncertain significance for Tuberous sclerosis 2. Last evaluated: 2023-03-06. Review status: criteria provided, single submitter. Criteria: Invitae Variant Classification Sherloc (09022015). Collection method: clinical testing. Allele origin: germline.
Comment: This sequence change replaces alanine, which is neutral and non-polar, with serine, which is neutral and polar, at codon 607 of the TSC2 protein (p.Ala607Ser). This variant is not present in population databases (gnomAD no frequency). This missense change has been observed in individual(s) with clinical features of tuberous sclerosis complex (PMID: 21309039). ClinVar contains an entry for this variant (Variation ID: 65184). Advanced modeling of protein sequence and biophysical properties (such as structural, functional, and spatial information, amino acid conservation, physicochemical variation, residue mobility, and thermodynamic stability) performed at Invitae indicates that this missense variant is not expected to disrupt TSC2 protein function. Experimental studies have shown that this missense change does not substantially affect TSC2 function (PMID: 21309039). In summary, the available evidence is currently insufficient to determine the role of this variant in disease. Therefore, it has been classified as a Variant of Uncertain Significance.

Tuberous sclerosis database (TSC2)
No classification provided. Condition: TSC. Review status: no classification provided. Criteria: Tuberous Sclerosis Database Assertion Criteria 2015. Collection method: curation. Allele origin: germline. Affected: yes. Not counted in ClinVar's aggregate classification.

Literature cited by the submitters: PubMed 21309039 (cited by Labcorp Genetics (formerly Invitae), Labcorp).

NM_000548.5(TSC2):c.1819G>T (p.Ala607Ser)

Gene: TSC2 (TSC complex subunit 2; plus strand). Cytogenetic location: 16p13.3.
Variant type: single nucleotide variant.
Coding change: c.1819G>T on transcript NM_000548.5 (MANE Select); coding-DNA position 1819, G replaced by T.
Protein change: p.Ala607Ser; replaces alanine 607 with serine.
Molecular consequence: missense variant.
Genome position (GRCh38, 1-based): chr16:2,070,558, G>T. VCF-style: chr16-2070558-G-T. GRCh37 (hg19) VCF-style: chr16-2120559-G-T.
Other names: c.1819G>T, p.Ala607Ser (NM_001077183.3, NM_001114382.3, NM_001363528.2 and 3 more transcripts); c.1708G>T, p.Ala570Ser (NM_001318827.2); c.1672G>T, p.Ala558Ser (NM_001318829.2); c.1219G>T, p.Ala407Ser (NM_001318831.2); c.1852G>T, p.Ala618Ser (NM_001318832.2); short protein forms A607S, A558S, A570S, A407S, A618S.
Identifiers: ClinVar variation 65184 (VCV000065184.8), dbSNP rs45517203, ClinGen allele CA015864.